The following is an entry in ClinVar:

ClinVar aggregate classification (germline): Uncertain significance (1 of 4 stars; one submission).

gnomAD v4.1: 67 of 1,613,438 alleles (0.0042%); highest among the groups gnomAD compares: East Asian, 0.0067%; no homozygotes.

Submission:

Labcorp Genetics (formerly Invitae), Labcorp
Classification: Uncertain significance. Last evaluated: 2026-01-12. Review status: criteria provided, single submitter. Criteria: Invitae Variant Classification Sherloc (09022015). Collection method: clinical testing. Allele origin: germline.
Comment: This sequence change replaces arginine, which is basic and polar, with tryptophan, which is neutral and slightly polar, at codon 387 of the SLC27A5 protein (p.Arg387Trp). This variant is present in population databases (rs371423777, gnomAD 0.02%). This variant has not been reported in the literature in individuals affected with SLC27A5-related conditions. An algorithm developed to predict the effect of missense changes on protein structure and function (PolyPhen-2) suggests that this variant is likely to be disruptive. In summary, the available evidence is currently insufficient to determine the role of this variant in disease. Therefore, it has been classified as a Variant of Uncertain Significance.

NM_012254.3(SLC27A5):c.1159C>T (p.Arg387Trp)

Gene: SLC27A5 (solute carrier family 27 member 5; minus strand). Cytogenetic location: 19q13.43.
Variant type: single nucleotide variant.
Coding change: c.1159C>T on transcript NM_012254.3 (MANE Select); coding-DNA position 1159, C replaced by T.
Protein change: p.Arg387Trp; replaces arginine 387 with tryptophan.
Molecular consequence: missense variant.
Genome position (GRCh38, 1-based): chr19:58,501,309, G>A on the plus strand (C>T on the coding strand, the complement: SLC27A5 is on the minus strand). VCF-style: chr19-58501309-G-A. GRCh37 (hg19) VCF-style: chr19-59012676-G-A.
Other names: c.907C>T, p.Arg303Trp (NM_001321196.2); short protein forms R387W, R303W.
Identifiers: ClinVar variation 4707508 (VCV004707508.1).